The following is an entry in ClinVar:

ClinVar aggregate classification (germline): Uncertain significance. Review status: criteria provided, multiple submitters, no conflicts (2 of 4 stars). 2 submissions from 2 submitters: Uncertain significance (2). Last evaluated 2025-04-08.

Conditions:
Dyskeratosis congenita, autosomal recessive 5 (DKCB5). Identifiers: MedGen C3554656, MONDO:0014076, OMIM 615190.
Pulmonary fibrosis and/or bone marrow failure, Telomere-related, 3. Also called: PULMONARY FIBROSIS AND/OR BONE MARROW FAILURE SYNDROME, TELOMERE-RELATED, 3. Identifiers: Orphanet 2032, MedGen C4225346, MONDO:0014613, OMIM 616373.
Inborn genetic diseases. Identifiers: MedGen C0950123, MeSH D030342.

Submissions (2):

Ambry Genetics
Classification: Uncertain significance for Inborn genetic diseases. Last evaluated: 2025-04-08. Review status: criteria provided, single submitter. Criteria: Ambry Variant Classification Scheme 2023. Collection method: clinical testing. Allele origin: germline.
Comment: The p.G668S variant (also known as c.2002G>A), located in coding exon 22 of the RTEL1 gene, results from a G to A substitution at nucleotide position 2002. The glycine at codon 668 is replaced by serine, an amino acid with similar properties. This amino acid position is conserved. In addition, this alteration is predicted to be tolerated by in silico analysis. Based on the available evidence, the clinical significance of this variant remains unclear.

Labcorp Genetics (formerly Invitae), Labcorp
Classification: Uncertain significance for Dyskeratosis congenita, autosomal recessive 5; Pulmonary fibrosis and/or bone marrow failure, Telomere-related, 3. Last evaluated: 2024-11-18. Review status: criteria provided, single submitter. Criteria: Invitae Variant Classification Sherloc (09022015). Collection method: clinical testing. Allele origin: germline.
Comment: This sequence change replaces glycine, which is neutral and non-polar, with serine, which is neutral and polar, at codon 668 of the RTEL1 protein (p.Gly668Ser). This variant is not present in population databases (gnomAD no frequency). This variant has not been reported in the literature in individuals affected with RTEL1-related conditions. An algorithm developed to predict the effect of missense changes on protein structure and function outputs the following: PolyPhen-2: "Benign". The serine amino acid residue is found in multiple mammalian species, which suggests that this missense change does not adversely affect protein function. In summary, the available evidence is currently insufficient to determine the role of this variant in disease. Therefore, it has been classified as a Variant of Uncertain Significance.

NM_001283009.2(RTEL1):c.2002G>A (p.Gly668Ser)

Genes: RTEL1-TNFRSF6B (RTEL1-TNFRSF6B readthrough (NMD candidate); plus strand), RTEL1 (regulator of telomere elongation helicase 1; plus strand). Cytogenetic location: 20q13.33.
Variant type: single nucleotide variant.
Coding change: c.2002G>A on transcript NM_001283009.2 (MANE Select); coding-DNA position 2002, G replaced by A.
Protein change: p.Gly668Ser; replaces glycine 668 with serine.
Molecular consequence: missense variant. On other transcripts: non-coding transcript variant (1).
Genome position (GRCh38, 1-based): chr20:63,689,625, G>A. VCF-style: chr20-63689625-G-A. GRCh37 (hg19) VCF-style: chr20-62320978-G-A.
Other names: c.1333G>A, p.Gly445Ser (NM_001283010.1); c.2002G>A, p.Gly668Ser (NM_016434.4); c.2074G>A, p.Gly692Ser (NM_032957.5); short protein forms G445S, G668S, G692S.
Identifiers: ClinVar variation 3762285 (VCV003762285.3).
Genomic context (GRCh38, chr20:63,689,625, plus strand): 5'-TACCCCCCACGCATGGACCCCCGGGTTGTCCTCAAGATGCAGTTCCTGGATGAGATGAAG[G>A]GCCAGGGTGGGGCTGGGGGCCAGGTGAGTTACAGCAGGGTGGGGCTGGGGTAAGGCGGTC-3'
Protein context (NP_001269938.1, residues 658-678): LKMQFLDEMK[Gly668Ser]QGGAGGQFLS